The following is an entry in ClinVar:

ClinVar aggregate classification (germline): Uncertain significance (1 of 4 stars; one submission).

Conditions:
Leigh syndrome (NULS). Also called: Leigh's necrotizing encephalopathy; Leigh's disease; Leigh Syndrome (mtDNA deletion); Leigh Disease; Subacute necrotizing encephalopathy; Necrotizing encephalopathy infantile subacute of Leigh. Identifiers: Orphanet 506, MedGen C2931891, MONDO:0009723, OMIM 256000.

Submission:

Wong Mito Lab, Molecular and Human Genetics, Baylor College of Medicine
Classification: Uncertain significance for Leigh syndrome. Last evaluated: 2019-10-17. Review status: criteria provided, single submitter. Criteria: Modified ACMG Guidelines (Unpublished). Collection method: clinical testing. Allele origin: germline.
Comment: The NC_012920.1:m.12128T>C (YP_003024035.1:p.Phe457Leu) variant in MTND4 gene is interpretated to be a Uncertain Significance variant based on the modified ACMG guidelines (unpublished). This variant meets the following evidence codes: BP4

NC_012920.1(MT-ND4):m.12128T>C

Gene: MT-ND4 (mitochondrially encoded NADH dehydrogenase 4; plus strand).
Variant type: single nucleotide variant.
Genome position: chrM-12128-T-C.
Identifiers: ClinVar variation 693416 (VCV000693416.1), dbSNP rs1603223557, ClinGen allele CA414812625.